The following is an entry in ClinVar:

ClinVar aggregate classification (germline): Uncertain significance (1 of 4 stars; one submission).

Allele frequency attached by ClinVar (database versions not stated): ESP Exome Variant Server 0.00107; ExAC 0.00565.

Submission:

CeGaT Center for Human Genetics Tuebingen
Classification: Uncertain significance. Last evaluated: 2024-07-01. Review status: criteria provided, single submitter. Criteria: CeGaT Center For Human Genetics Tuebingen Variant Classification Criteria Version 2. Collection method: clinical testing. Allele origin: germline. Affected: yes. Observed: 5 variant alleles.
Comment: HYDIN: PM2, BP4

NM_001270974.2(HYDIN):c.8516+4A>C

Gene: HYDIN (HYDIN axonemal central pair apparatus protein; minus strand). Cytogenetic location: 16q22.2.
Variant type: single nucleotide variant.
Coding change: c.8516+4A>C on transcript NM_001270974.2 (MANE Select); 4 bases into the intron after coding-DNA position 8516, A replaced by C.
Molecular consequence: intron variant.
Genome position (GRCh38, 1-based): chr16:70,907,368, T>G on the plus strand (A>C on the coding strand, the complement: HYDIN is on the minus strand). VCF-style: chr16-70907368-T-G. GRCh37 (hg19) VCF-style: chr16-70941271-T-G.
Identifiers: ClinVar variation 2646735 (VCV002646735.24), dbSNP rs200420917, ClinGen allele CA8149750.